The following is an entry in ClinVar:

ClinVar aggregate classification (germline): Uncertain significance (1 of 4 stars; one submission).

Conditions:
Primary ciliary dyskinesia. Also called: Ciliary dyskinesia. Identifiers: Orphanet 244, MedGen C0008780, MONDO:0016575, HP:0012265.

Submission:

Labcorp Genetics (formerly Invitae), Labcorp
Classification: Uncertain significance for Primary ciliary dyskinesia. Last evaluated: 2017-12-10. Review status: criteria provided, single submitter. Criteria: Invitae Variant Classification Sherloc (09022015). Collection method: clinical testing. Allele origin: germline.
Comment: Algorithms developed to predict the effect of missense changes on protein structure and function do not agree on the potential impact of this missense change (SIFT: "Deleterious"; PolyPhen-2: "Possibly Damaging"; Align-GVGD: "Class C0"). In summary, the available evidence is currently insufficient to determine the role of this variant in disease. Therefore, it has been classified as a Variant of Uncertain Significance. This variant has not been reported in the literature in individuals with DNAH5-related disease. This variant is not present in population databases (ExAC no frequency). This sequence change replaces aspartic acid with histidine at codon 1929 of the DNAH5 protein (p.Asp1929His). The aspartic acid residue is highly conserved and there is a moderate physicochemical difference between aspartic acid and histidine.

NM_001369.3(DNAH5):c.5785G>C (p.Asp1929His)

Gene: DNAH5 (dynein axonemal heavy chain 5; minus strand). Cytogenetic location: 5p15.2.
Variant type: single nucleotide variant.
Coding change: c.5785G>C on transcript NM_001369.3 (MANE Select); coding-DNA position 5785, G replaced by C.
Protein change: p.Asp1929His; replaces aspartic acid 1929 with histidine.
Molecular consequence: missense variant.
Genome position (GRCh38, 1-based): chr5:13,839,453, C>G on the plus strand (G>C on the coding strand, the complement: DNAH5 is on the minus strand). VCF-style: chr5-13839453-C-G. GRCh37 (hg19) VCF-style: chr5-13839562-C-G.
Other names: short protein forms D1929H.
Identifiers: ClinVar variation 525365 (VCV000525365.9), dbSNP rs1554072085, ClinGen allele CA359206826.